The following is an entry in ClinVar:

NM_001267550.2(TTN):c.27328+1del

Gene: TTN (titin; minus strand). Cytogenetic location: 2q31.2.
Variant type: Deletion.
Coding change: c.27328+1del on transcript NM_001267550.2 (MANE Select); the canonical splice donor site of the intron after coding-DNA position 27328, one base deleted (G; older notation c.27328+1delG).
Molecular consequence: splice donor variant. On other transcripts: intron variant (3).
Genome position (GRCh38, 1-based): chr2:178,712,696, C deleted on the plus strand (G on the coding strand, the reverse complement: TTN is on the minus strand); the first of 2 consecutive C bases (chr2:178,712,696-178,712,697); deleting either gives the same sequence. VCF-style (leftmost placement, unchanged base first): chr2-178712695-AC-A. GRCh37 (hg19) VCF-style: chr2-179577422-AC-A.
Other names: c.13282+25386del (NM_003319.4); c.13858+25386del (NM_133437.4); c.13657+25386del (NM_133432.3); c.23596+1del (NM_133378.4); c.26377+1del (NM_001256850.1).
Identifiers: ClinVar variation 2936454 (VCV002936454.4), dbSNP rs2528916298, ClinGen allele CA2740096252.

ClinVar aggregate classification (germline): Conflicting classifications of pathogenicity. Review status: criteria provided, conflicting classifications (1 of 4 stars). 2 submissions from 2 submitters: Likely pathogenic (1); Uncertain significance (1). Last evaluated 2025-09-08.

Conditions:
Dilated cardiomyopathy 1G (CMD1G). Identifiers: Orphanet 154, MedGen C1858763, MONDO:0011400, OMIM 604145.
Autosomal recessive limb-girdle muscular dystrophy type 2J (LGMDR10). Also called: Limb-girdle muscular dystrophy, type 2J; MUSCULAR DYSTROPHY, LIMB-GIRDLE, AUTOSOMAL RECESSIVE 10. Identifiers: Orphanet 140922, MedGen C1837342, MONDO:0012127, OMIM 608807.

Submissions (2):

Labcorp Genetics (formerly Invitae), Labcorp
Classification: Likely pathogenic for Dilated cardiomyopathy 1G; Autosomal recessive limb-girdle muscular dystrophy type 2J. Last evaluated: 2025-09-08. Review status: criteria provided, single submitter. Criteria: Invitae Variant Classification Sherloc (09022015). Collection method: clinical testing. Allele origin: germline.
Comment: This sequence change creates a premature translational stop signal (p.Ala9110Profs*6) in the TTN gene. While this is not anticipated to result in nonsense mediated decay, it is expected to create a truncated TTN protein. This variant is not present in population databases (gnomAD no frequency). This variant has not been reported in the literature in individuals affected with TTN-related conditions. This variant is also known as c.27328+1del. ClinVar contains an entry for this variant (Variation ID: 2936454). Algorithms developed to predict the effect of sequence changes on RNA splicing suggest that this variant may disrupt the consensus splice site. This variant is located in the I band of TTN (PMID: 25589632). Truncating variants in this region have been reported in individuals affected with autosomal recessive centronuclear myopathy (PMID: 23975875, internal data). Truncating variants in this region have also been identified in individuals affected with autosomal dominant dilated cardiomyopathy and/or cardio-related conditions (PMID: 27869827, 32964742, internal data). In summary, the currently available evidence indicates that the variant is pathogenic, but additional data are needed to prove that conclusively. Therefore, this variant has been classified as Likely Pathogenic.

GeneDx
Classification: Uncertain significance. Last evaluated: 2024-06-03. Review status: criteria provided, single submitter. Criteria: GeneDx Variant Classification Process June 2021. Collection method: clinical testing. Allele origin: germline. Affected: yes.
Comment: Not observed at significant frequency in large population cohorts (gnomAD); Canonical splice site variant in a gene or region of a gene for which loss of function is not a well-established mechanism of disease; Has not been previously published as pathogenic or benign to our knowledge; This variant is associated with the following publications: (PMID: 27869827, 27625338)

Literature cited by the submitters: PubMed 25589632 (cited by Labcorp Genetics (formerly Invitae), Labcorp); PubMed 23975875 (cited by Labcorp Genetics (formerly Invitae), Labcorp); PubMed 27869827 (cited by Labcorp Genetics (formerly Invitae), Labcorp); PubMed 32964742 (cited by Labcorp Genetics (formerly Invitae), Labcorp).